The following is an entry in ClinVar:

NM_006129.5(BMP1):c.2234C>T (p.Ala745Val)

Gene: BMP1 (bone morphogenetic protein 1; plus strand). Cytogenetic location: 8p21.3.
Variant type: single nucleotide variant.
Coding change: c.2234C>T on transcript NM_006129.5 (MANE Select); coding-DNA position 2234, C replaced by T.
Protein change: p.Ala745Val; replaces alanine 745 with valine.
Molecular consequence: missense variant. On other transcripts: non-coding transcript variant (1).
Genome position (GRCh38, 1-based): chr8:22,206,854, C>T. VCF-style: chr8-22206854-C-T. GRCh37 (hg19) VCF-style: chr8-22064367-C-T.
Other names: short protein forms A745V.
Identifiers: ClinVar variation 1438766 (VCV001438766.5), dbSNP rs367849370, ClinGen allele CA4665181.

ClinVar aggregate classification (germline): Uncertain significance (1 of 4 stars; one submission).

Allele frequency attached by ClinVar (database versions not stated): gnomAD exomes below 0.00001 and 0.00001; ExAC 0.00001; ESP Exome Variant Server 0.00008.
gnomAD v4.1: 7 of 1,614,142 alleles (0.00043%); highest among the groups gnomAD compares: Non-Finnish European, 0.00059%; no homozygotes.

Submission:

Labcorp Genetics (formerly Invitae), Labcorp
Classification: Uncertain significance. Last evaluated: 2022-08-15. Review status: criteria provided, single submitter. Criteria: Invitae Variant Classification Sherloc (09022015). Collection method: clinical testing. Allele origin: germline.
Comment: This sequence change replaces alanine, which is neutral and non-polar, with valine, which is neutral and non-polar, at codon 745 of the BMP1 protein (p.Ala745Val). This variant is present in population databases (rs367849370, gnomAD 0.002%). This variant has not been reported in the literature in individuals affected with BMP1-related conditions. ClinVar contains an entry for this variant (Variation ID: 1438766). Algorithms developed to predict the effect of missense changes on protein structure and function are either unavailable or do not agree on the potential impact of this missense change (SIFT: "Deleterious"; PolyPhen-2: "Benign"; Align-GVGD: "Class C55"). In summary, the available evidence is currently insufficient to determine the role of this variant in disease. Therefore, it has been classified as a Variant of Uncertain Significance.